The following is an entry in ClinVar:

NM_001035.3(RYR2):c.6440+294C>T

Gene: RYR2 (ryanodine receptor 2; plus strand). Cytogenetic location: 1q43.
Variant type: single nucleotide variant.
Coding change: c.6440+294C>T on transcript NM_001035.3 (MANE Select); 294 bases into the intron after coding-DNA position 6440, C replaced by T.
Molecular consequence: intron variant.
Genome position (GRCh38, 1-based): chr1:237,628,374, C>T. VCF-style: chr1-237628374-C-T. GRCh37 (hg19) VCF-style: chr1-237791674-C-T.
Identifiers: ClinVar variation 671771 (VCV000671771.1), dbSNP rs477075, ClinGen allele CA16083576.

ClinVar aggregate classification (germline): Benign (1 of 4 stars; one submission).

Allele frequency attached by ClinVar (database versions not stated): 1000 Genomes Project 0.53375; 1000 Genomes Project 30x 0.54310; TOPMed 0.56211; gnomAD 0.61981.

Submission:

GeneDx
Classification: Benign. Last evaluated: 2018-06-18. Review status: criteria provided, single submitter. Criteria: GeneDx Variant Classification (06012015). Collection method: clinical testing. Allele origin: germline. Affected: yes.
Comment: This variant is considered likely benign or benign based on one or more of the following criteria: it is a conservative change, it occurs at a poorly conserved position in the protein, it is predicted to be benign by multiple in silico algorithms, and/or has population frequency not consistent with disease.